The following is an entry in ClinVar:

NM_004958.4(MTOR):c.12C>T (p.Thr4=)

Gene: MTOR (mechanistic target of rapamycin kinase; minus strand). Cytogenetic location: 1p36.22.
Variant type: single nucleotide variant.
Coding change: c.12C>T on transcript NM_004958.4 (MANE Select); coding-DNA position 12, C replaced by T.
Protein change: p.Thr4=; no amino-acid change (threonine 4 retained).
Molecular consequence: synonymous variant.
Genome position (GRCh38, 1-based): chr1:11,259,398, G>A on the plus strand (C>T on the coding strand, the complement: MTOR is on the minus strand). VCF-style: chr1-11259398-G-A. GRCh37 (hg19) VCF-style: chr1-11319455-G-A.
Identifiers: ClinVar variation 719919 (VCV000719919.12), dbSNP rs761376029, ClinGen allele CA591050.

ClinVar aggregate classification (germline): Likely benign. Review status: criteria provided, multiple submitters, no conflicts (2 of 4 stars). 2 submissions from 2 submitters: Likely benign (2). Last evaluated 2026-05-01.

Allele frequency attached by ClinVar (database versions not stated): gnomAD exomes below 0.00001; ExAC 0.00001; gnomAD 0.00002 and 0.00003; TOPMed 0.00002.
gnomAD v4.1: 25 of 1,573,808 alleles (0.0016%); highest among the groups gnomAD compares: Middle Eastern, 0.017%; no homozygotes.

Submissions (2):

CeGaT Center for Human Genetics Tuebingen
Classification: Likely benign. Last evaluated: 2026-05-01. Review status: criteria provided, single submitter. Criteria: CeGaT Center For Human Genetics Tuebingen Variant Classification Criteria Version 2. Collection method: clinical testing. Allele origin: germline. Affected: yes. Observed: 1 variant allele.
Comment: MTOR: BP4, BP7

Labcorp Genetics (formerly Invitae), Labcorp
Classification: Likely benign. Last evaluated: 2025-07-20. Review status: criteria provided, single submitter. Criteria: Invitae Variant Classification Sherloc (09022015). Collection method: clinical testing. Allele origin: germline.